The following is an entry in ClinVar:

NM_031372.4(HNRNPDL):c.1097G>C (p.Gly366Ala)

Gene: HNRNPDL (heterogeneous nuclear ribonucleoprotein D like; minus strand). Cytogenetic location: 4q21.22.
Variant type: single nucleotide variant.
Coding change: c.1097G>C on transcript NM_031372.4 (MANE Select); coding-DNA position 1097, G replaced by C.
Protein change: p.Gly366Ala; replaces glycine 366 with alanine.
Molecular consequence: missense variant. On other transcripts: non-coding transcript variant (1), intron variant (1).
Genome position (GRCh38, 1-based): chr4:82,426,558, C>G on the plus strand (G>C on the coding strand, the complement: HNRNPDL is on the minus strand). VCF-style: chr4-82426558-C-G. GRCh37 (hg19) VCF-style: chr4-83347711-C-G.
Other names: c.1022-429G>C (NM_001207000.1); short protein forms G366A.
Identifiers: ClinVar variation 704526 (VCV000704526.14), dbSNP rs200123403, ClinGen allele CA2984778.

ClinVar aggregate classification (germline): Conflicting classifications of pathogenicity. Review status: criteria provided, conflicting classifications (1 of 4 stars). 3 submissions from 3 submitters: Uncertain significance (1); Likely benign (2). Last evaluated 2026-01-26.

Conditions:
Autosomal dominant limb-girdle muscular dystrophy type 1G (LGMDD3). Also called: Limb-girdle muscular dystrophy, type 1G; MUSCULAR DYSTROPHY, LIMB-GIRDLE, AUTOSOMAL DOMINANT 3. Identifiers: Orphanet 55596, MedGen C1836765, MONDO:0012193, OMIM 609115.
HNRNPDL-related disorder. Also called: HNRNPDL-related condition.

Allele frequency attached by ClinVar (database versions not stated): gnomAD 0.00006 and 0.00012; 1000 Genomes Project 30x 0.00016; gnomAD exomes 0.00017 and 0.00039; TOPMed 0.00017; 1000 Genomes Project 0.00020; ExAC 0.00044.
gnomAD v4.1: 274 of 1,613,018 alleles (0.017%); highest among the groups gnomAD compares: East Asian, 0.34%; no homozygotes.

Submissions (3):

Labcorp Genetics (formerly Invitae), Labcorp
Classification: Likely benign for Autosomal dominant limb-girdle muscular dystrophy type 1G. Last evaluated: 2026-01-26. Review status: criteria provided, single submitter. Criteria: Invitae Variant Classification Sherloc (09022015). Collection method: clinical testing. Allele origin: germline.

PreventionGenetics, part of Exact Sciences
Classification: Likely benign for HNRNPDL-related condition. Last evaluated: 2025-12-15. Review status: criteria provided, single submitter. Criteria: ACMG Guidelines, 2015. Collection method: clinical testing. Allele origin: germline.
Comment: This variant is classified as likely benign based on ACMG/AMP sequence variant interpretation guidelines (Richards et al. 2015 PMID: 25741868, with internal and published modifications).

Revvity Omics, Revvity
Classification: Uncertain significance for Autosomal dominant limb-girdle muscular dystrophy type 1G. Last evaluated: 2023-08-03. Review status: criteria provided, single submitter. Criteria: ACMG Guidelines, 2015. Collection method: clinical testing. Allele origin: germline.